The following is an entry in ClinVar:

ClinVar aggregate classification (germline): Uncertain significance. Review status: criteria provided, multiple submitters, no conflicts (2 of 4 stars). 2 submissions from 2 submitters: Uncertain significance (2). Last evaluated 2026-05-22.

Conditions:
Inborn genetic diseases. Identifiers: MedGen C0950123, MeSH D030342.
SIM1-related disorder. Also called: SIM1-related disorders; SIM1-related condition.

Submissions (2):

PreventionGenetics, part of Exact Sciences
Classification: Uncertain significance for SIM1-related condition. Last evaluated: 2026-05-22. Review status: criteria provided, single submitter. Criteria: ACMG Guidelines, 2015. Collection method: clinical testing. Allele origin: germline.
Comment: The SIM1 c.1478G>A variant is predicted to result in the amino acid substitution p.Arg493His. To our knowledge, this variant has not been reported in the literature. This variant is reported in 0.012% of alleles in individuals of African descent in gnomAD. At this time, the clinical significance of this variant is uncertain due to the absence of conclusive functional and genetic evidence.

Ambry Genetics
Classification: Uncertain significance for Inborn genetic diseases. Last evaluated: 2025-09-11. Review status: criteria provided, single submitter. Criteria: Ambry Variant Classification Scheme 2023. Collection method: clinical testing. Allele origin: germline.

NM_005068.3(SIM1):c.1478G>A (p.Arg493His)

Genes: SIM1 (SIM bHLH transcription factor 1; minus strand), SIM1-AS1 (SIM1 antisense RNA 1; plus strand). Cytogenetic location: 6q16.3.
Variant type: single nucleotide variant.
Coding change: c.1478G>A on transcript NM_005068.3 (MANE Select); coding-DNA position 1478, G replaced by A.
Protein change: p.Arg493His; replaces arginine 493 with histidine.
Molecular consequence: missense variant. On other transcripts: non-coding transcript variant (1).
Genome position (GRCh38, 1-based): chr6:100,393,579, C>T on the plus strand (G>A on the coding strand, the complement: SIM1 is on the minus strand). VCF-style: chr6-100393579-C-T. GRCh37 (hg19) VCF-style: chr6-100841455-C-T.
Other names: c.1478G>A, p.Arg493His (NM_001374769.1); short protein forms R493H.
Identifiers: ClinVar variation 4165331 (VCV004165331.2).